The following is an entry in ClinVar:

ClinVar aggregate classification (germline): Conflicting classifications of pathogenicity. Review status: criteria provided, conflicting classifications (1 of 4 stars). 5 submissions from 5 submitters: Uncertain significance (4); Likely benign (1). Last evaluated 2026-03-26.

Conditions:
Familial thoracic aortic aneurysm and aortic dissection (TAAD). Also called: Thoracic aortic aneurysms and dissections. Identifiers: Orphanet 91387, MedGen C4707243, MONDO:0019625.
Marfan syndrome (MFS). Also called: Marfan syndrome, classic; Marfan syndrome type 1; Marfan's syndrome; FBN1-Related Marfan Syndrome; MARFAN SYNDROME, TYPE I. Identifiers: Orphanet 284963, Orphanet 558, MedGen C0024796, MONDO:0007947, OMIM 154700.
Weill-Marchesani syndrome 2, dominant. Also called: FBN1-Related Weill-Marchesani Syndrome; Weill-Marchesani Syndrome, Autosomal Dominant. Identifiers: Orphanet 2084, MedGen C1869115, MONDO:0012013, OMIM 608328.
Progeroid and marfanoid aspect-lipodystrophy syndrome. Also called: MARFANOID-PROGEROID SYNDROME; MARFAN-PROGEROID-LIPODYSTROPHY SYNDROME; Marfan lipodystrophy syndrome; MARFANOID-PROGEROID-LIPODYSTROPHY SYNDROME. Identifiers: Orphanet 300382, MedGen C4310796, MONDO:0014831, OMIM 616914.
Acromicric dysplasia (ACMICD). Also called: Acromicric skeletal dysplasia. Identifiers: Orphanet 969, MedGen C0265287, MONDO:0007055, OMIM 102370.
Ectopia lentis 1, isolated, autosomal dominant (ECTOL1). Identifiers: Orphanet 1885, MedGen C3541518, MONDO:0007514, OMIM 129600.
Geleophysic dysplasia 2 (GPHYSD2). Identifiers: Orphanet 2623, MedGen C3280054, MONDO:0013612, OMIM 614185.
MASS syndrome (OCTD). Also called: OVERLAP CONNECTIVE TISSUE DISEASE; MASS PHENOTYPE. Identifiers: MedGen C1858556, MONDO:0011431, OMIM 604308.
Stiff skin syndrome (SSKS). Identifiers: Orphanet 2833, MedGen C1861456, MONDO:0008492, OMIM 184900.

Allele frequency attached by ClinVar (database versions not stated): gnomAD exomes 0.00001; TOPMed 0.00001; ExAC 0.00001.
gnomAD v4.1: 13 of 1,612,752 alleles (0.00081%); highest among the groups gnomAD compares: Middle Eastern, 0.017%; no homozygotes.

Submissions (5):

Ambry Genetics
Classification: Uncertain significance for Familial thoracic aortic aneurysm and aortic dissection. Last evaluated: 2026-03-26. Review status: criteria provided, single submitter. Criteria: Ambry Variant Classification Scheme 2023. Collection method: clinical testing. Allele origin: germline.

Labcorp Genetics (formerly Invitae), Labcorp
Classification: Likely benign for Marfan syndrome; Familial thoracic aortic aneurysm and aortic dissection. Last evaluated: 2025-10-11. Review status: criteria provided, single submitter. Criteria: Invitae Variant Classification Sherloc (09022015). Collection method: clinical testing. Allele origin: germline.

All of Us Research Program, National Institutes of Health
Classification: Uncertain significance for Marfan syndrome. Last evaluated: 2024-06-17. Review status: criteria provided, single submitter. Criteria: ACMG Guidelines, 2015. Collection method: clinical testing. Allele origin: germline. Inheritance: Autosomal dominant inheritance. Observed: 3 variant alleles, 3 heterozygotes.
Comment: This missense variant replaces asparagine with serine at codon 1959 of the FBN1 protein. Computational prediction suggests that this variant may not impact protein structure and function (internally defined REVEL score threshold <= 0.5, PMID: 27666373). Splice site prediction tools suggest that this variant may not impact RNA splicing. To our knowledge, functional studies have not been performed for this variant. This variant has not been reported in individuals affected with cardiovascular disorders in the literature. This variant has been identified in 2/250888 chromosomes in the general population by the Genome Aggregation Database (gnomAD). The available evidence is insufficient to determine the role of this variant in disease conclusively. Therefore, this variant is classified as a Variant of Uncertain Significance.

This study involves interpretation of variants in research participants for the purpose of population health screening. Participant phenotype was not available at the time of variant classification. Additional details can be found in publication PMID: 35346344, PMCID: PMC8962531

Color Diagnostics, LLC DBA Color Health
Classification: Uncertain significance for Familial thoracic aortic aneurysm and aortic dissection. Last evaluated: 2024-06-05. Review status: criteria provided, single submitter. Criteria: ACMG Guidelines, 2015. Collection method: clinical testing. Allele origin: germline.
Comment: This missense variant replaces asparagine with serine at codon 1959 of the FBN1 protein. Computational prediction tools indicate that this variant has a neutral impact on protein structure and function. To our knowledge, functional studies have not been reported for this variant. This variant has not been reported in individuals affected with FBN1-related disorders in the literature. This variant has been identified in 2/250888 chromosomes in the general population by the Genome Aggregation Database (gnomAD). The available evidence is insufficient to determine the role of this variant in disease conclusively. Therefore, this variant is classified as a Variant of Uncertain Significance.

Fulgent Genetics
Classification: Uncertain significance for Acromicric dysplasia; Ectopia lentis 1, isolated, autosomal dominant; Marfan syndrome; Stiff skin syndrome; MASS syndrome; Weill-Marchesani syndrome 2, dominant; Geleophysic dysplasia 2; Progeroid and marfanoid aspect-lipodystrophy syndrome. Last evaluated: 2021-09-03. Review status: criteria provided, single submitter. Criteria: ACMG Guidelines, 2015. Collection method: clinical testing. Allele origin: unknown.

NM_000138.5(FBN1):c.5876A>G (p.Asn1959Ser)

Gene: FBN1 (fibrillin 1; minus strand). Cytogenetic location: 15q21.1.
Variant type: single nucleotide variant.
Coding change: c.5876A>G on transcript NM_000138.5 (MANE Select); coding-DNA position 5876, A replaced by G.
Protein change: p.Asn1959Ser; replaces asparagine 1959 with serine.
Molecular consequence: missense variant.
Genome position (GRCh38, 1-based): chr15:48,445,417, T>C on the plus strand (A>G on the coding strand, the complement: FBN1 is on the minus strand). VCF-style: chr15-48445417-T-C. GRCh37 (hg19) VCF-style: chr15-48737614-T-C.
Other names: short protein forms N1959S.
Identifiers: ClinVar variation 925249 (VCV000925249.20), dbSNP rs773486280, ClinGen allele CA055759.